The following is an entry in ClinVar:

ClinVar aggregate classification (germline): Likely pathogenic (1 of 4 stars; one submission).

Submission:

Labcorp Genetics (formerly Invitae), Labcorp
Classification: Likely pathogenic. Last evaluated: 2025-08-31. Review status: criteria provided, single submitter. Criteria: Invitae Variant Classification Sherloc (09022015). Collection method: clinical testing. Allele origin: germline.
Comment: This sequence change replaces glycine, which is neutral and non-polar, with arginine, which is basic and polar, at codon 299 of the BEST1 protein (p.Gly299Arg). This variant is not present in population databases (gnomAD no frequency). This variant has not been reported in the literature in individuals affected with BEST1-related conditions. Invitae Evidence Modeling of protein sequence and biophysical properties (such as structural, functional, and spatial information, amino acid conservation, physicochemical variation, residue mobility, and thermodynamic stability) indicates that this missense variant is expected to disrupt BEST1 protein function with a positive predictive value of 95%. This variant disrupts the p.Gly299 amino acid residue in BEST1. Other variant(s) that disrupt this residue have been determined to be pathogenic (PMID: 9662395, 11904445, 12939260, 17287362, 19372599). This suggests that this residue is clinically significant, and that variants that disrupt this residue are likely to be disease-causing. In summary, the currently available evidence indicates that the variant is pathogenic, but additional data are needed to prove that conclusively. Therefore, this variant has been classified as Likely Pathogenic.

Literature cited by the submitters: PubMed 9662395; PubMed 11904445; PubMed 12939260; PubMed 17287362; PubMed 19372599.

NM_004183.4(BEST1):c.895G>C (p.Gly299Arg)

Gene: BEST1 (bestrophin 1; plus strand). Cytogenetic location: 11q12.3.
Variant type: single nucleotide variant.
Coding change: c.895G>C on transcript NM_004183.4 (MANE Select); coding-DNA position 895, G replaced by C.
Protein change: p.Gly299Arg; replaces glycine 299 with arginine.
Molecular consequence: missense variant. On other transcripts: 5 prime UTR variant (1), non-coding transcript variant (1), intron variant (4).
Genome position (GRCh38, 1-based): chr11:61,959,525, G>C. VCF-style: chr11-61959525-G-C. GRCh37 (hg19) VCF-style: chr11-61726997-G-C.
Other names: c.715G>C, p.Gly239Arg (NM_001139443.3, NM_001300787.2); c.577G>C, p.Gly193Arg (NM_001363591.3); c.1098G>C, p.Leu366Phe (NM_001363592.2); c.-78G>C (NM_001363593.3); c.895G>C, p.Gly299Arg (NM_001440571.1); c.742G>C, p.Gly248Arg (NM_001440573.1); c.562G>C, p.Gly188Arg (NM_001440575.1); c.868-367G>C (NM_001440572.1); and 2 more; short protein forms G188R, G193R, G239R, G248R, G299R, L366F.
Identifiers: ClinVar variation 4800408 (VCV004800408.1).